The following is an entry in ClinVar:

NM_001161748.2(LIM2):c.483C>T (p.Tyr161=)

Gene: LIM2 (lens intrinsic membrane protein 2; minus strand). Cytogenetic location: 19q13.41.
Variant type: single nucleotide variant.
Coding change: c.483C>T on transcript NM_001161748.2 (MANE Select); coding-DNA position 483, C replaced by T.
Protein change: p.Tyr161=; no amino-acid change (tyrosine 161 retained).
Molecular consequence: synonymous variant.
Genome position (GRCh38, 1-based): chr19:51,380,240, G>A on the plus strand (C>T on the coding strand, the complement: LIM2 is on the minus strand). VCF-style: chr19-51380240-G-A. GRCh37 (hg19) VCF-style: chr19-51883494-G-A.
Other names: c.609C>T, p.Tyr203= (NM_030657.4).
Identifiers: ClinVar variation 3047487 (VCV003047487.2), dbSNP rs2514197774, ClinGen allele CA508568532.

ClinVar aggregate classification (germline): Likely benign (0 of 4 stars; one submission).

Conditions:
LIM2-related disorder. Also called: LIM2-related condition.

Submission:

PreventionGenetics, part of Exact Sciences
Classification: Likely benign for LIM2-related condition. Last evaluated: 2019-03-25. Review status: no assertion criteria provided. Collection method: clinical testing. Allele origin: germline.
Comment: This variant is classified as likely benign based on ACMG/AMP sequence variant interpretation guidelines (Richards et al. 2015 PMID: 25741868, with internal and published modifications).